The following is an entry in ClinVar:

ClinVar aggregate classification (germline): Likely pathogenic. Review status: criteria provided, multiple submitters, no conflicts (2 of 4 stars). 2 submissions from 2 submitters: Likely pathogenic (2). Last evaluated 2024-06-28.

Conditions:
Ceroid lipofuscinosis, neuronal, 6A. Also called: CLN6-Related Neuronal Ceroid-Lipofuscinosis; Neuronal ceroid lipofuscinosis, late infantile, variant; Neuronal ceroid lipofuscinosis, Gypsy/Indian early juvenile variant; Neuronal ceroid lipofuscinosis 6. Identifiers: Orphanet 168491, Orphanet 228363, MedGen C5551375, MONDO:0011144, OMIM 601780.
Abnormality of the nervous system. Also called: Congenital nervous system disorder. Identifiers: MedGen C0497552, MONDO:0002320, HP:0000707.

Allele frequency attached by ClinVar (database versions not stated): gnomAD exomes below 0.00001.
gnomAD v4.1: 1 of 1,466,126 alleles (0.000068%); highest among the groups gnomAD compares: Non-Finnish European, 0.00009%; no homozygotes.

Submissions (2):

Natera, Inc.
Classification: Likely pathogenic for Ceroid lipofuscinosis, neuronal, 6A. Last evaluated: 2024-06-28. Review status: criteria provided, single submitter. Criteria: Natera Variant Classification Schema (03/2026). Collection method: clinical testing. Allele origin: germline.
Comment: The c.83+1G>C variant in CLN6 is a canonical splice donor site variant predicted to affect pre-mRNA splicing, which may result in an abnormal transcript and altered protein product. This variant is expected to result in nonsense mediated decay, truncation, or a dysfunctional protein product. This variant is rare in the general population with a frequency below the threshold expected for the associated phenotype(s). Given the available evidence, this variant is classified as Likely Pathogenic.

Kariminejad - Najmabadi Pathology & Genetics Center
Classification: Likely pathogenic for Abnormality of the nervous system. Last evaluated: 2021-07-10. Review status: criteria provided, single submitter. Criteria: ACMG Guidelines, 2015. Collection method: clinical testing. Allele origin: germline. Affected: yes.

NM_017882.3(CLN6):c.83+1G>C

Gene: CLN6 (CLN6 transmembrane ER protein; minus strand). Cytogenetic location: 15q23.
Variant type: single nucleotide variant.
Coding change: c.83+1G>C on transcript NM_017882.3 (MANE Select); the canonical splice donor site of the intron after coding-DNA position 83, G replaced by C.
Molecular consequence: splice donor variant. On other transcripts: intron variant (1).
Genome position (GRCh38, 1-based): chr15:68,229,501, C>G on the plus strand (G>C on the coding strand, the complement: CLN6 is on the minus strand). VCF-style: chr15-68229501-C-G. GRCh37 (hg19) VCF-style: chr15-68521839-C-G.
Other names: c.180-10851G>C (NM_001411068.1); c.83+1G>C (NM_017882.2).
Identifiers: ClinVar variation 1180628 (VCV001180628.2), dbSNP rs2141156157, ClinGen allele CA392978046.